The following is an entry in ClinVar:

NM_001110219.3(GJB6):c.416G>A (p.Ser139Asn)

Gene: GJB6 (gap junction protein beta 6; minus strand). Cytogenetic location: 13q12.11.
Variant type: single nucleotide variant.
Coding change: c.416G>A on transcript NM_001110219.3 (MANE Select); coding-DNA position 416, G replaced by A.
Protein change: p.Ser139Asn; replaces serine 139 with asparagine.
Molecular consequence: missense variant.
Genome position (GRCh38, 1-based): chr13:20,223,065, C>T on the plus strand (G>A on the coding strand, the complement: GJB6 is on the minus strand). VCF-style: chr13-20223065-C-T. GRCh37 (hg19) VCF-style: chr13-20797204-C-T.
Other names: c.416G>A, p.Ser139Asn (NM_001110220.3, NM_001110221.3, NM_001370090.1 and 3 more transcripts); short protein forms S139N.
Identifiers: ClinVar variation 3361771 (VCV003361771.1).
Genomic context (GRCh38, chr13:20,223,065, plus strand): 5'-TTGTAAAGGAAGTAAAACACATACATAAAGGCTGCTTCAAAGATGATTCGGAAAAAGATG[C>T]TGCTGGTGTACGTCCACCACAGCGACCCCTCTATCCGAACCTTCTGCTTTTTAATGTCCT-3'
Protein context (NP_001103689.1, residues 129-149): EGSLWWTYTS[Ser139Asn]IFFRIIFEAA

ClinVar aggregate classification (germline): Uncertain significance (1 of 4 stars; one submission).

gnomAD v4.1: 1 of 1,613,406 alleles (0.000062%); highest among the groups gnomAD compares: African/African-American, 0.0013%; no homozygotes.

Submission:

GeneDx
Classification: Uncertain significance. Last evaluated: 2023-07-31. Review status: criteria provided, single submitter. Criteria: GeneDx Variant Classification Process June 2021. Collection method: clinical testing. Allele origin: germline. Affected: yes.
Comment: Not observed at significant frequency in large population cohorts (gnomAD); In silico analysis supports that this missense variant has a deleterious effect on protein structure/function; Has not been previously published as pathogenic or benign to our knowledge